The following is an entry in ClinVar:

ClinVar aggregate classification (germline): Uncertain significance (1 of 4 stars; one submission).

Submission:

GeneDx
Classification: Uncertain significance. Last evaluated: 2023-06-07. Review status: criteria provided, single submitter. Criteria: GeneDx Variant Classification Process June 2021. Collection method: clinical testing. Allele origin: germline. Affected: yes.
Comment: Not observed at significant frequency in large population cohorts (gnomAD); In silico analysis supports that this missense variant has a deleterious effect on protein structure/function; Has not been previously published as pathogenic or benign to our knowledge

NM_001170629.2(CHD8):c.3070A>T (p.Ile1024Phe)

Gene: CHD8 (chromodomain helicase DNA binding protein 8; minus strand). Cytogenetic location: 14q11.2.
Variant type: single nucleotide variant.
Coding change: c.3070A>T on transcript NM_001170629.2 (MANE Select); coding-DNA position 3070, A replaced by T.
Protein change: p.Ile1024Phe; replaces isoleucine 1024 with phenylalanine.
Molecular consequence: missense variant.
Genome position (GRCh38, 1-based): chr14:21,405,446, T>A on the plus strand (A>T on the coding strand, the complement: CHD8 is on the minus strand). VCF-style: chr14-21405446-T-A. GRCh37 (hg19) VCF-style: chr14-21873605-T-A.
Other names: c.2233A>T, p.Ile745Phe (NM_020920.4); short protein forms I1024F, I745F.
Identifiers: ClinVar variation 3359523 (VCV003359523.1).
Genomic context (GRCh38, chr14:21,405,446, plus strand): 5'-TGGGTGCCAAGTTTTTTTCAACATCCTCTTTGAGTCTTCTCAGCATCATTGGCTTAAGAA[T>A]GGCCTGTAGCTTTTGAACCTGTGGTCCATTACAGAGAGAAAAATAAATCAATAAGATGAG-3'
Protein context (NP_001164100.1, residues 1014-1034): TEEQVQKLQA[Ile1024Phe]LKPMMLRRLK